The following is an entry in ClinVar:

ClinVar aggregate classification (germline): Benign. Review status: criteria provided, multiple submitters, no conflicts (2 of 4 stars). 2 submissions from 2 submitters: Benign (2). Last evaluated 2018-01-12.

Conditions:
Seizures, benign familial neonatal, 2. Also called: CONVULSIONS, BENIGN FAMILIAL NEONATAL, 2; KCNQ3-Related Self-Limited Familial Neonatal Epilepsy (SLFNE); Benign Neonatal Epilepsy 2; KCNQ3-Related Benign Familial Neonatal Epilepsy; Seizures, benign neonatal, 2. Identifiers: Orphanet 1949, MedGen C1852581, MONDO:0007366, OMIM 121201.

Allele frequency attached by ClinVar (database versions not stated): 1000 Genomes Project 0.28634; TOPMed 0.38408; 1000 Genomes Project 30x 0.28685; gnomAD exomes 0.50000.
gnomAD v4.1: 61,847 of 152,028 alleles (41%); highest among the groups gnomAD compares: Non-Finnish European, 51%; 13,852 homozygotes.

Submissions (2):

Illumina Laboratory Services, Illumina
Classification: Benign for Seizures, benign familial neonatal, 2. Last evaluated: 2018-01-12. Review status: criteria provided, single submitter. Criteria: ICSL Variant Classification Criteria 13 December 2019. Collection method: clinical testing. Allele origin: germline.
Comment: This variant was observed in the ICSL laboratory as part of a predisposition screen in an ostensibly healthy population. It had not been previously curated by ICSL or reported in the Human Gene Mutation Database (HGMD: prior to June 1st, 2018), and was therefore a candidate for classification through an automated scoring system. Utilizing variant allele frequency, disease prevalence and penetrance estimates, and inheritance mode, an automated score was calculated to assess if this variant is too frequent to cause the disease. Based on the score and internal cut-off values, a variant classified as benign is not then subjected to further curation. The score for this variant resulted in a classification of benign for this disease.

Breakthrough Genomics
Classification: Benign. Review status: criteria provided, single submitter. Criteria: ACMG Guidelines, 2015. Collection method: not provided. Allele origin: germline. Inheritance: Autosomal dominant inheritance. Affected: yes.

NM_004519.4(KCNQ3):c.*4243A>T

Gene: KCNQ3 (potassium voltage-gated channel subfamily Q member 3; minus strand). Cytogenetic location: 8q24.22.
Variant type: single nucleotide variant.
Coding change: c.*4243A>T on transcript NM_004519.4 (MANE Select); 4243 bases downstream of the stop codon, A replaced by T.
Molecular consequence: 3 prime UTR variant.
Genome position (GRCh38, 1-based): chr8:132,125,019, T>A on the plus strand (A>T on the coding strand, the complement: KCNQ3 is on the minus strand). VCF-style: chr8-132125019-T-A. GRCh37 (hg19) VCF-style: chr8-133137266-T-A.
Other names: c.*4243A>T (NM_001204824.2).
Identifiers: ClinVar variation 361809 (VCV000361809.7), dbSNP rs2436131, ClinGen allele CA10627046.